The following is an entry in ClinVar:

ClinVar aggregate classification (germline): Uncertain significance (1 of 4 stars; one submission).

Submission:

Labcorp Genetics (formerly Invitae), Labcorp
Classification: Uncertain significance. Last evaluated: 2022-03-15. Review status: criteria provided, single submitter. Criteria: Invitae Variant Classification Sherloc (09022015). Collection method: clinical testing. Allele origin: germline.
Comment: This sequence change replaces phenylalanine, which is neutral and non-polar, with leucine, which is neutral and non-polar, at codon 10 of the SNX10 protein (p.Phe10Leu). This variant is not present in population databases (gnomAD no frequency). This variant has not been reported in the literature in individuals affected with SNX10-related conditions. Algorithms developed to predict the effect of missense changes on protein structure and function are either unavailable or do not agree on the potential impact of this missense change (SIFT: "Tolerated"; PolyPhen-2: "Possibly Damaging"; Align-GVGD: "Class C0"). In summary, the available evidence is currently insufficient to determine the role of this variant in disease. Therefore, it has been classified as a Variant of Uncertain Significance.

NM_013322.3(SNX10):c.30T>G (p.Phe10Leu)

Gene: SNX10 (sorting nexin 10; plus strand). Cytogenetic location: 7p15.2.
Variant type: single nucleotide variant.
Coding change: c.30T>G on transcript NM_013322.3 (MANE Select); coding-DNA position 30, T replaced by G.
Protein change: p.Phe10Leu; replaces phenylalanine 10 with leucine.
Molecular consequence: missense variant.
Genome position (GRCh38, 1-based): chr7:26,360,980, T>G. VCF-style: chr7-26360980-T-G. GRCh37 (hg19) VCF-style: chr7-26400600-T-G.
Other names: c.30T>G, p.Phe10Leu (NM_001199835.1, NM_001318199.3); c.21T>G, p.Phe7Leu (NM_001199837.3); c.108T>G, p.Phe36Leu (NM_001318198.1, NM_001362753.1, NM_001362754.1); short protein forms F7L, F10L, F36L.
Identifiers: ClinVar variation 1911522 (VCV001911522.2), dbSNP rs2536141189, ClinGen allele CA367227809.